The following is an entry in ClinVar:

NM_001206999.2(CIT):c.770C>T (p.Pro257Leu)

Gene: CIT (citron rho-interacting serine/threonine kinase; minus strand). Cytogenetic location: 12q24.23.
Variant type: single nucleotide variant.
Coding change: c.770C>T on transcript NM_001206999.2 (MANE Select); coding-DNA position 770, C replaced by T.
Protein change: p.Pro257Leu; replaces proline 257 with leucine.
Molecular consequence: missense variant.
Genome position (GRCh38, 1-based): chr12:119,825,352, G>A on the plus strand (C>T on the coding strand, the complement: CIT is on the minus strand). VCF-style: chr12-119825352-G-A. GRCh37 (hg19) VCF-style: chr12-120263156-G-A.
Other names: c.770C>T, p.Pro257Leu (NM_007174.3); short protein forms P257L.
Identifiers: ClinVar variation 4990686 (VCV004990686.1).

ClinVar aggregate classification (germline): Uncertain significance (1 of 4 stars; one submission).

Conditions:
CIT-related disorder. Also called: CIT-related condition.

gnomAD v4.1: 10 of 1,613,916 alleles (0.00062%); highest among the groups gnomAD compares: Admixed American, 0.0017%; no homozygotes.

Submission:

PreventionGenetics, part of Exact Sciences
Classification: Uncertain significance for CIT-related condition. Last evaluated: 2024-11-18. Review status: criteria provided, single submitter. Criteria: ACMG Guidelines, 2015. Collection method: clinical testing. Allele origin: germline.
Comment: The CIT c.770C>T variant is predicted to result in the amino acid substitution p.Pro257Leu. To our knowledge, this variant has not been reported in the literature. This variant is reported in 0.0029% of alleles in individuals of Latino descent in gnomAD. At this time, the clinical significance of this variant is uncertain due to the absence of conclusive functional and genetic evidence.